The following is an entry in ClinVar:

NM_014476.6(PDLIM3):c.677C>T (p.Ser226Leu)

Gene: PDLIM3 (PDZ and LIM domain 3; minus strand). Cytogenetic location: 4q35.1.
Variant type: single nucleotide variant.
Coding change: c.677C>T on transcript NM_014476.6 (MANE Select); coding-DNA position 677, C replaced by T.
Protein change: p.Ser226Leu; replaces serine 226 with leucine.
Molecular consequence: missense variant. On other transcripts: non-coding transcript variant (1).
Genome position (GRCh38, 1-based): chr4:185,506,638, G>A on the plus strand (C>T on the coding strand, the complement: PDLIM3 is on the minus strand). VCF-style: chr4-185506638-G-A. GRCh37 (hg19) VCF-style: chr4-186427792-G-A.
Other names: c.533C>T, p.Ser178Leu (NM_001114107.5); c.413C>T, p.Ser138Leu (NM_001257962.2); c.176C>T, p.Ser59Leu (NM_001257963.2); short protein forms S226L, S178L, S59L, S138L.
Identifiers: ClinVar variation 968267 (VCV000968267.11), dbSNP rs747243505, ClinGen allele CA3159727.
Genomic context (GRCh38, chr4:185,506,638, plus strand): 5'-TGTGTGGGCTCATTCCGATTGTCGTGGAGCATCCGGTACACGTCCGACTCGGGGGGCACC[G>A]AGGCTGTGGGCTCGCTGAAACACAGGCACGGCGGGGAGCATCGTCAGGTGCTGGGAGGCA-3'
Protein context (NP_055291.2, residues 216-236): ETPLMSEPTA[Ser226Leu]VPPESDVYRM

ClinVar aggregate classification (germline): Uncertain significance. Review status: criteria provided, multiple submitters, no conflicts (2 of 4 stars). 2 submissions from 2 submitters: Uncertain significance (2). Last evaluated 2024-08-19.

Conditions:
Primary dilated cardiomyopathy (DCM). Also called: Dilated Cardiomyopathy. Identifiers: Orphanet 217604, MedGen C0007193, MeSH D002311, MONDO:0005021, HP:0001644. Inheritance: Various modes of inheritance.
Hypertrophic cardiomyopathy. Also called: HYPERTROPHIC MYOCARDIOPATHY. Identifiers: Orphanet 217569, MedGen C0007194, MeSH D002312, MONDO:0005045, HP:0001639.

Allele frequency attached by ClinVar (database versions not stated): ExAC 0.00002; gnomAD 0.00005 and 0.00006; gnomAD exomes 0.00005; TOPMed 0.00005.
gnomAD v4.1: 26 of 1,605,562 alleles (0.0016%); highest among the groups gnomAD compares: Admixed American, 0.022%; no homozygotes.

Submissions (2):

Ambry Genetics
Classification: Uncertain significance. Last evaluated: 2024-08-19. Review status: criteria provided, single submitter. Criteria: Ambry Variant Classification Scheme 2023. Collection method: clinical testing. Allele origin: germline.
Comment: The p.S226L variant (also known as c.677C>T), located in coding exon 6 of the PDLIM3 gene, results from a C to T substitution at nucleotide position 677. The serine at codon 226 is replaced by leucine, an amino acid with dissimilar properties. This amino acid position is conserved. In addition, this alteration is predicted to be tolerated by in silico analysis. Since supporting evidence is limited at this time, the clinical significance of this alteration remains unclear.

Labcorp Genetics (formerly Invitae), Labcorp
Classification: Uncertain significance for Hypertrophic cardiomyopathy; Primary dilated cardiomyopathy. Last evaluated: 2022-10-27. Review status: criteria provided, single submitter. Criteria: Invitae Variant Classification Sherloc (09022015). Collection method: clinical testing. Allele origin: germline.
Comment: This sequence change replaces serine, which is neutral and polar, with leucine, which is neutral and non-polar, at codon 226 of the PDLIM3 protein (p.Ser226Leu). This variant is present in population databases (rs747243505, gnomAD 0.02%). This variant has not been reported in the literature in individuals affected with PDLIM3-related conditions. ClinVar contains an entry for this variant (Variation ID: 968267). Advanced modeling of protein sequence and biophysical properties (such as structural, functional, and spatial information, amino acid conservation, physicochemical variation, residue mobility, and thermodynamic stability) performed at Invitae indicates that this missense variant is not expected to disrupt PDLIM3 protein function. In summary, the available evidence is currently insufficient to determine the role of this variant in disease. Therefore, it has been classified as a Variant of Uncertain Significance.